The following is an entry in ClinVar:

ClinVar aggregate classification (germline): Likely benign (1 of 4 stars; one submission).

Submission:

CeGaT Center for Human Genetics Tuebingen
Classification: Likely benign. Last evaluated: 2026-04-01. Review status: criteria provided, single submitter. Criteria: CeGaT Center For Human Genetics Tuebingen Variant Classification Criteria Version 2. Collection method: clinical testing. Allele origin: germline. Affected: yes. Observed: 4 variant alleles.
Comment: UBR2: BS2

NM_001363705.2(UBR2):c.1281+1951_1281+1958dup

Gene: UBR2 (ubiquitin protein ligase E3 component n-recognin 2; plus strand). Cytogenetic location: 6p21.1.
Variant type: Duplication.
Coding change: c.1281+1951_1281+1958dup on transcript NM_001363705.2 (MANE Select); bases 1951 to 1958 of the intron after coding-DNA position 1281, 8 bases duplicated (TTTTTTTT; older notation c.1281+1951_1281+1958dupTTTTTTTT).
Molecular consequence: intron variant.
Genome position (GRCh38, 1-based): chr6:42,619,458-42,619,465, TTTTTTTT duplicated; duplicating any 8 consecutive bases within chr6:42,619,454-42,619,465 gives the same sequence; the c. name uses the placement nearest the transcript's 3' end. VCF-style (leftmost placement, unchanged base first): chr6-42619453-A-ATTTTTTTT. GRCh37 (hg19) VCF-style: chr6-42587191-A-ATTTTTTTT.
Other names: c.1281+2120_1281+2127dup (NM_015255.3); c.1282-10_1282-3dup (NM_001184801.2).
Identifiers: ClinVar variation 2656558 (VCV002656558.24), dbSNP rs1554251969, ClinGen allele CA824863345.